The following is an entry in ClinVar:

NM_005559.4(LAMA1):c.7171G>T (p.Ala2391Ser)

Gene: LAMA1 (laminin subunit alpha 1; minus strand). Cytogenetic location: 18p11.31.
Variant type: single nucleotide variant.
Coding change: c.7171G>T on transcript NM_005559.4 (MANE Select); coding-DNA position 7171, G replaced by T.
Protein change: p.Ala2391Ser; replaces alanine 2391 with serine.
Molecular consequence: missense variant.
Genome position (GRCh38, 1-based): chr18:6,965,312, C>A on the plus strand (G>T on the coding strand, the complement: LAMA1 is on the minus strand). VCF-style: chr18-6965312-C-A. GRCh37 (hg19) VCF-style: chr18-6965311-C-A.
Other names: c.7171G>T (NM_005559.3); short protein forms A2391S.
Identifiers: ClinVar variation 1906240 (VCV001906240.8), dbSNP rs192340222, ClinGen allele CA8880994.

ClinVar aggregate classification (germline): Uncertain significance. Review status: criteria provided, multiple submitters, no conflicts (2 of 4 stars). 3 submissions from 3 submitters: Uncertain significance (3). Last evaluated 2025-11-25.

Conditions:
Inborn genetic diseases. Identifiers: MedGen C0950123, MeSH D030342.

Allele frequency attached by ClinVar (database versions not stated): TOPMed 0.00007; ESP Exome Variant Server 0.00008; gnomAD 0.00010; 1000 Genomes Project 0.00040; 1000 Genomes Project 30x 0.00062.
gnomAD v4.1: 32 of 1,614,152 alleles (0.002%); highest among the groups gnomAD compares: African/African-American, 0.039%; no homozygotes.

Submissions (3):

Ambry Genetics
Classification: Uncertain significance for Inborn genetic diseases. Last evaluated: 2025-11-25. Review status: criteria provided, single submitter. Criteria: Ambry Variant Classification Scheme 2023. Collection method: clinical testing. Allele origin: germline.

Labcorp Genetics (formerly Invitae), Labcorp
Classification: Uncertain significance. Last evaluated: 2024-10-24. Review status: criteria provided, single submitter. Criteria: Invitae Variant Classification Sherloc (09022015). Collection method: clinical testing. Allele origin: germline.
Comment: This sequence change replaces alanine, which is neutral and non-polar, with serine, which is neutral and polar, at codon 2391 of the LAMA1 protein (p.Ala2391Ser). This variant is present in population databases (rs192340222, gnomAD 0.04%). This variant has not been reported in the literature in individuals affected with LAMA1-related conditions. ClinVar contains an entry for this variant (Variation ID: 1906240). Invitae Evidence Modeling of protein sequence and biophysical properties (such as structural, functional, and spatial information, amino acid conservation, physicochemical variation, residue mobility, and thermodynamic stability) indicates that this missense variant is not expected to disrupt LAMA1 protein function with a negative predictive value of 80%. In summary, the available evidence is currently insufficient to determine the role of this variant in disease. Therefore, it has been classified as a Variant of Uncertain Significance.

GeneDx
Classification: Uncertain significance. Last evaluated: 2023-12-18. Review status: criteria provided, single submitter. Criteria: GeneDx Variant Classification Process June 2021. Collection method: clinical testing. Allele origin: germline. Affected: yes.
Comment: In silico analysis supports that this missense variant does not alter protein structure/function; Has not been previously published as pathogenic or benign to our knowledge